The following is an entry in ClinVar:

ClinVar aggregate classification (germline): Uncertain significance (1 of 4 stars; one submission).

gnomAD v4.1: 29 of 1,608,386 alleles (0.0018%); highest among the groups gnomAD compares: South Asian, 0.027%; no homozygotes.

Submission:

Labcorp Genetics (formerly Invitae), Labcorp
Classification: Uncertain significance. Last evaluated: 2025-10-01. Review status: criteria provided, single submitter. Criteria: Invitae Variant Classification Sherloc (09022015). Collection method: clinical testing. Allele origin: germline.
Comment: This sequence change replaces aspartic acid, which is acidic and polar, with glycine, which is neutral and non-polar, at codon 231 of the CEACAM16 protein (p.Asp231Gly). This variant is present in population databases (rs753554376, gnomAD 0.01%). This variant has not been reported in the literature in individuals affected with CEACAM16-related conditions. Invitae Evidence Modeling of protein sequence and biophysical properties (such as structural, functional, and spatial information, amino acid conservation, physicochemical variation, residue mobility, and thermodynamic stability) indicates that this missense variant is not expected to disrupt CEACAM16 protein function with a negative predictive value of 80%. In summary, the available evidence is currently insufficient to determine the role of this variant in disease. Therefore, it has been classified as a Variant of Uncertain Significance.

NM_001039213.4(CEACAM16):c.692A>G (p.Asp231Gly)

Genes: CEACAM16 (CEA cell adhesion molecule 16, tectorial membrane component; plus strand), CEACAM16-AS1 (CEACAM16, CEACAM19 and PVR antisense RNA 1; minus strand). Cytogenetic location: 19q13.32.
Variant type: single nucleotide variant.
Coding change: c.692A>G on transcript NM_001039213.4 (MANE Select); coding-DNA position 692, A replaced by G.
Protein change: p.Asp231Gly; replaces aspartic acid 231 with glycine.
Molecular consequence: missense variant.
Genome position (GRCh38, 1-based): chr19:44,705,620, A>G. VCF-style: chr19-44705620-A-G. GRCh37 (hg19) VCF-style: chr19-45208890-A-G.
Other names: short protein forms D231G.
Identifiers: ClinVar variation 4782179 (VCV004782179.1).
Genomic context (GRCh38, chr19:44,705,620, plus strand): 5'-GCCCCATCTATCTCCCTCCTGCCCCCACAGTTGGCCCAGAGCGTGTGGCCATCCTCCAGG[A>G]TTCCACCACCCGCACAGGCTGCACCATCAAAGTTGACTTCAACACGTCCCTCACCCTGTG-3'
Protein context (NP_001034302.2, residues 221-241): FGPERVAILQ[Asp231Gly]STTRTGCTIK